The following is an entry in ClinVar:

NM_004711.5(SYNGR1):c.607_608insACA (p.Pro202_Thr203insAsn)

Gene: SYNGR1 (synaptogyrin 1; plus strand). Cytogenetic location: 22q13.1.
Variant type: Insertion.
Coding change: c.607_608insACA on transcript NM_004711.5 (MANE Select); coding-DNA positions 607 to 608, ACA inserted.
Protein change: p.Pro202_Thr203insAsn.
Molecular consequence: inframe insertion.
Genome position: GRCh38 VCF-style: chr22-39381817-C-CCAA. GRCh37 (hg19) VCF-style: chr22-39777822-C-CCAA.
Identifiers: ClinVar variation 979149 (VCV000979149.1), dbSNP rs57910921, ClinGen allele CA10241517.

ClinVar aggregate classification (germline): Benign (1 of 4 stars; one submission).

Conditions:
Schizophrenia (SCZD). Identifiers: MedGen C0036341, MeSH D012559, MONDO:0005090, OMIM 181500, HP:0100753.

Submission:

Broad Center for Mendelian Genomics, Broad Institute of MIT and Harvard
Classification: Benign for Schizophrenia. Review status: criteria provided, single submitter. Criteria: ACMG Guidelines, 2015. Collection method: research. Allele origin: germline. Affected: yes.
Comment: The c.607_608insACA variant in SYNGR1 has been reported in at least 1 individual with schizophrenia (PMID: 17049558), and has been identified in >99% of East Asian chromosomes and 34864 homozygotes by ExAC. In summary, this variant meets criteria to be classified as benign for schizophrenia.